The following is an entry in ClinVar:

NM_015981.4(CAMK2A):c.684C>T (p.Gly228=)

Gene: CAMK2A (calcium/calmodulin dependent protein kinase II alpha; minus strand). Cytogenetic location: 5q32.
Variant type: single nucleotide variant.
Coding change: c.684C>T on transcript NM_015981.4 (MANE Select); coding-DNA position 684, C replaced by T.
Protein change: p.Gly228=; no amino-acid change (glycine 228 retained).
Molecular consequence: synonymous variant.
Genome position (GRCh38, 1-based): chr5:150,251,759, G>A on the plus strand (C>T on the coding strand, the complement: CAMK2A is on the minus strand). VCF-style: chr5-150251759-G-A. GRCh37 (hg19) VCF-style: chr5-149631322-G-A.
Other names: c.684C>T, p.Gly228= (NM_001363989.1, NM_001363990.1, NM_001369025.2 and 1 more transcripts).
Identifiers: ClinVar variation 2655921 (VCV002655921.24), dbSNP rs749308142, ClinGen allele CA3509784.

ClinVar aggregate classification (germline): Likely benign (1 of 4 stars; one submission).

Allele frequency attached by ClinVar (database versions not stated): ExAC 0.00025; TOPMed 0.00034; gnomAD exomes 0.00015.
gnomAD v4.1: 255 of 1,603,808 alleles (0.016%); highest among the groups gnomAD compares: Admixed American, 0.071%; 1 homozygote.

Submission:

CeGaT Center for Human Genetics Tuebingen
Classification: Likely benign. Last evaluated: 2022-10-01. Review status: criteria provided, single submitter. Criteria: CeGaT Center For Human Genetics Tuebingen Variant Classification Criteria Version 2. Collection method: clinical testing. Allele origin: germline. Affected: yes. Observed: 1 variant allele.
Comment: CAMK2A: BP4, BP7